The following is an entry in ClinVar:

NM_001386795.1(DTNA):c.1176-8T>C

Gene: DTNA (dystrobrevin alpha; plus strand). Cytogenetic location: 18q12.1.
Variant type: single nucleotide variant.
Coding change: c.1176-8T>C on transcript NM_001386795.1 (MANE Select); 8 bases into the intron before coding-DNA position 1176, T replaced by C.
Molecular consequence: intron variant.
Genome position (GRCh38, 1-based): chr18:34,838,086, T>C. VCF-style: chr18-34838086-T-C. GRCh37 (hg19) VCF-style: chr18-32418050-T-C.
Other names: c.1095-10210T>C (NM_032975.4, NM_001386761.1, NM_001386762.1 and 1 more transcripts); c.1175+8597T>C (NM_001386754.1, NM_001386755.1, NM_001386760.1 and 5 more transcripts); c.1086-10210T>C (NM_001386763.1, NM_001386764.1, NM_001386768.1 and 13 more transcripts); c.604-13745T>C (NM_001198945.2); c.1176-8T>C (NM_001386788.1); c.1086-8T>C (NM_032978.7); c.1095-8T>C (NM_001390.5, NM_001391.5); c.336-10210T>C (NM_001198943.1); and 4 more.
Identifiers: ClinVar variation 46430 (VCV000046430.57), dbSNP rs41274310, ClinGen allele CA138349.

ClinVar aggregate classification (germline): Benign/Likely benign. Review status: criteria provided, multiple submitters, no conflicts (2 of 4 stars). 7 submissions from 7 submitters: Benign (4); Likely benign (2). 1 of the submissions does not count toward it. Last evaluated 2026-05-01.

Conditions:
DTNA-related disorder. Also called: DTNA-related condition.
Left ventricular noncompaction 1 (LVNC1). Also called: LEFT VENTRICULAR NONCOMPACTION 1 WITH OR WITHOUT CONGENITAL HEART DEFECTS. Identifiers: Orphanet 54260, MedGen C1858725, MONDO:0011403, OMIM 604169.

Allele frequency attached by ClinVar (database versions not stated): 1000 Genomes Project 0.00140; 1000 Genomes Project 30x 0.00172; TOPMed 0.00213; gnomAD 0.00216 and 0.00232; ExAC 0.00274; gnomAD exomes 0.00279 and 0.00339; ESP Exome Variant Server 0.00323.
gnomAD v4.1: 5,406 of 1,613,708 alleles (0.34%); highest among the groups gnomAD compares: South Asian, 0.51%; 18 homozygotes.

Submissions (7):

CeGaT Center for Human Genetics Tuebingen
Classification: Likely benign. Last evaluated: 2026-05-01. Review status: criteria provided, single submitter. Criteria: CeGaT Center For Human Genetics Tuebingen Variant Classification Criteria Version 2. Collection method: clinical testing. Allele origin: germline. Affected: yes. Observed: 10 variant alleles.
Comment: DTNA: BS1

Labcorp Genetics (formerly Invitae), Labcorp
Classification: Benign for Left ventricular noncompaction 1. Last evaluated: 2026-01-27. Review status: criteria provided, single submitter. Criteria: Invitae Variant Classification Sherloc (09022015). Collection method: clinical testing. Allele origin: germline.

Blueprint Genetics
Classification: Benign. Last evaluated: 2024-11-25. Review status: criteria provided, single submitter. Criteria: ACMG Guidelines, 2015. Collection method: clinical testing. Allele origin: germline.

ARUP Laboratories, Molecular Genetics and Genomics, ARUP Laboratories
Classification: Benign for Left ventricular noncompaction 1. Last evaluated: 2020-08-24. Review status: criteria provided, single submitter. Criteria: ARUP Molecular Germline Variant Investigation Process. Collection method: clinical testing. Allele origin: germline.

Laboratory for Molecular Medicine, Mass General Brigham Personalized Medicine
Classification: Likely benign. Last evaluated: 2015-03-21. Review status: criteria provided, single submitter. Criteria: LMM Criteria. Collection method: clinical testing. Allele origin: germline. Observed: 20 variant alleles.
Comment: c.1086-8T>C in intron 12A of DTNA: This variant is not expected to have clinical significance because it has been identified in 0.5% (74/16144) of South Asian c hromosomes by the Exome Aggregation Consortium (ExAC .org; dbSNP rs41274310).

GeneDx
Classification: Benign. Last evaluated: 2014-04-16. Review status: criteria provided, single submitter. Criteria: GeneDx Variant Classification (06012015). Collection method: clinical testing. Allele origin: germline. Affected: yes.
Comment: This variant is considered likely benign or benign based on one or more of the following criteria: it is a conservative change, it occurs at a poorly conserved position in the protein, it is predicted to be benign by multiple in silico algorithms, and/or has population frequency not consistent with disease.

PreventionGenetics, part of Exact Sciences
Classification: Benign for DTNA-related condition. Last evaluated: 2019-05-22. Review status: no assertion criteria provided. Collection method: clinical testing. Allele origin: germline. Not counted in ClinVar's aggregate classification.
Comment: This variant is classified as benign based on ACMG/AMP sequence variant interpretation guidelines (Richards et al. 2015 PMID: 25741868, with internal and published modifications).